The following is an entry in ClinVar:

ClinVar aggregate classification (germline): Uncertain significance (1 of 4 stars; one submission).

Allele frequency attached by ClinVar (database versions not stated): TOPMed 0.00001.

Submission:

Labcorp Genetics (formerly Invitae), Labcorp
Classification: Uncertain significance. Last evaluated: 2023-11-08. Review status: criteria provided, single submitter. Criteria: Invitae Variant Classification Sherloc (09022015). Collection method: clinical testing. Allele origin: germline.
Comment: This sequence change falls in intron 14 of the SLC26A4 gene. It does not directly change the encoded amino acid sequence of the SLC26A4 protein. It affects a nucleotide within the consensus splice site. This variant is not present in population databases (gnomAD no frequency). This variant has been observed in individual(s) with SLC26A4-related conditions (Invitae). In at least one individual the data is consistent with being in trans (on the opposite chromosome) from a pathogenic variant. Variants that disrupt the consensus splice site are a relatively common cause of aberrant splicing (PMID: 17576681, 9536098). Algorithms developed to predict the effect of sequence changes on RNA splicing suggest that this variant may disrupt the consensus splice site. In summary, the available evidence is currently insufficient to determine the role of this variant in disease. Therefore, it has been classified as a Variant of Uncertain Significance.

Literature cited by the submitters: PubMed 17576681; PubMed 9536098.

NM_000441.2(SLC26A4):c.1614+2dup

Gene: SLC26A4 (solute carrier family 26 member 4; plus strand). Cytogenetic location: 7q22.3.
Variant type: Duplication.
Coding change: c.1614+2dup on transcript NM_000441.2 (MANE Select); the canonical splice donor site of the intron after coding-DNA position 1614, one base duplicated (T; older notation c.1614+2dupT).
Molecular consequence: splice donor variant.
Genome position (GRCh38, 1-based): chr7:107,698,113, T duplicated. VCF-style (leftmost placement, unchanged base first): chr7-107698112-G-GT. GRCh37 (hg19) VCF-style: chr7-107338557-G-GT.
Identifiers: ClinVar variation 2783397 (VCV002783397.3), dbSNP rs1246419983, ClinGen allele CA831184853.